The following is an entry in ClinVar:

NM_021098.3(CACNA1H):c.2254CCAGGC[4] (p.752PG[4])

Gene: CACNA1H (calcium voltage-gated channel subunit alpha1 H; plus strand). Cytogenetic location: 16p13.3.
Variant type: Microsatellite.
Coding change: c.2254CCAGGC[4] on transcript NM_021098.3 (MANE Select); four copies in a row of the 6-base unit CCAGGC starting at c.2254; the reference has three copies in a row; one copy, 6 bases duplicated; also written c.2266_2271dup.
Protein change: p.752PG[4].
Molecular consequence: inframe insertion.
Genome position (GRCh38, 1-based): chr16:1,204,273-1,204,278, CCAGGC duplicated; duplicating any 6 consecutive bases within chr16:1,204,261-1,204,278 gives the same sequence; the position shown is the placement nearest the transcript's 3' end. VCF-style (leftmost placement, unchanged base first): chr16-1204260-A-ACCAGGC. GRCh37 (hg19) VCF-style: chr16-1254260-A-ACCAGGC.
Other names: c.2254CCAGGC[4], p.752PG[4] (NM_001005407.2); c.2266_2271dup (NM_021098.3).
Identifiers: ClinVar variation 574933 (VCV000574933.11), dbSNP rs756747669, ClinGen allele CA7800176.

ClinVar aggregate classification (germline): Conflicting classifications of pathogenicity. Review status: criteria provided, conflicting classifications (1 of 4 stars). 3 submissions from 3 submitters: Uncertain significance (2); Likely benign (1). Last evaluated 2026-01-31.

Conditions:
Hyperaldosteronism, familial, type IV (HALD4). Also called: FH IV; ALDOSTERONISM, PRIMARY, AND HYPERTENSION. Identifiers: Orphanet 642671, MedGen C4310756, MONDO:0014875, OMIM 617027.
Epilepsy, childhood absence, susceptibility to, 6. Identifiers: Orphanet 64280, MedGen C2749872, MONDO:0012763, OMIM 611942.
Idiopathic generalized epilepsy. Also called: Generalised epilepsy; EIG. Identifiers: MedGen C0270850, MONDO:0005579, OMIM 600669.

Submissions (3):

Labcorp Genetics (formerly Invitae), Labcorp
Classification: Uncertain significance for Idiopathic generalized epilepsy; Hyperaldosteronism, familial, type IV. Last evaluated: 2026-01-31. Review status: criteria provided, single submitter. Criteria: Invitae Variant Classification Sherloc (09022015). Collection method: clinical testing. Allele origin: germline.
Comment: This variant, c.2266_2271dup, results in the insertion of 2 amino acid(s) of the CACNA1H protein (p.Pro756_Gly757dup), but otherwise preserves the integrity of the reading frame. This variant is present in population databases (rs756747669, gnomAD 0.05%), and has an allele count higher than expected for a pathogenic variant. This variant has not been reported in the literature in individuals affected with CACNA1H-related conditions. ClinVar contains an entry for this variant (Variation ID: 574933). Experimental studies and prediction algorithms are not available or were not evaluated, and the functional significance of this variant is currently unknown. In summary, the available evidence is currently insufficient to determine the role of this variant in disease. Therefore, it has been classified as a Variant of Uncertain Significance.

Fulgent Genetics
Classification: Likely benign for Epilepsy, childhood absence, susceptibility to, 6; Hyperaldosteronism, familial, type IV. Last evaluated: 2024-04-20. Review status: criteria provided, single submitter. Criteria: ACMG Guidelines, 2015. Collection method: clinical testing. Allele origin: germline.

Breakthrough Genomics
Classification: Uncertain significance. Review status: criteria provided, single submitter. Criteria: ACMG Guidelines, 2015. Collection method: not provided. Allele origin: germline. Inheritance: Autosomal dominant inheritance. Affected: yes.